The following is an entry in ClinVar:

ClinVar aggregate classification (germline): Uncertain significance (1 of 4 stars; one submission).

Conditions:
Charcot-Marie-Tooth disease axonal type 2V. Also called: CHARCOT-MARIE-TOOTH NEUROPATHY, TYPE 2V; CHARCOT-MARIE-TOOTH DISEASE, AXONAL, AUTOSOMAL DOMINANT, TYPE 2V. Identifiers: Orphanet 447964, MedGen C5569050, MONDO:0014665, OMIM 616491.
Mucopolysaccharidosis, MPS-III-B (MPS3B). Also called: MPS IIIB (Sanfilippo Syndrome Type B); N-ACETYL-ALPHA-D-GLUCOSAMINIDASE DEFICIENCY; NAGLU DEFICIENCY; MUCOPOLYSACCHARIDOSIS, TYPE IIIB; Mucopolysaccharidosis type IIIB (Sanfilippo B); SANFILIPPO SYNDROME B. Identifiers: Orphanet 79270, MedGen C0086648, MONDO:0009656, OMIM 252920.

Submission:

Labcorp Genetics (formerly Invitae), Labcorp
Classification: Uncertain significance for Charcot-Marie-Tooth disease axonal type 2V; Mucopolysaccharidosis, MPS-III-B. Last evaluated: 2022-02-24. Review status: criteria provided, single submitter. Criteria: Invitae Variant Classification Sherloc (09022015). Collection method: clinical testing. Allele origin: germline.
Comment: Advanced modeling of protein sequence and biophysical properties (such as structural, functional, and spatial information, amino acid conservation, physicochemical variation, residue mobility, and thermodynamic stability) performed at Invitae indicates that this missense variant is not expected to disrupt NAGLU protein function. This variant has not been reported in the literature in individuals affected with NAGLU-related conditions. This variant is not present in population databases (gnomAD no frequency). This sequence change replaces glutamic acid, which is acidic and polar, with aspartic acid, which is acidic and polar, at codon 570 of the NAGLU protein (p.Glu570Asp). In summary, the available evidence is currently insufficient to determine the role of this variant in disease. Therefore, it has been classified as a Variant of Uncertain Significance.

NM_000263.4(NAGLU):c.1710G>T (p.Glu570Asp)

Gene: NAGLU (N-acetyl-alpha-glucosaminidase; plus strand). Cytogenetic location: 17q21.2.
Variant type: single nucleotide variant.
Coding change: c.1710G>T on transcript NM_000263.4 (MANE Select); coding-DNA position 1710, G replaced by T.
Protein change: p.Glu570Asp; replaces glutamic acid 570 with aspartic acid.
Molecular consequence: missense variant.
Genome position (GRCh38, 1-based): chr17:42,543,716, G>T. VCF-style: chr17-42543716-G-T. GRCh37 (hg19) VCF-style: chr17-40695734-G-T.
Other names: short protein forms E570D.
Identifiers: ClinVar variation 1408126 (VCV001408126.8), dbSNP rs2092928775, ClinGen allele CA399604563.